The following is an entry in ClinVar:

ClinVar aggregate classification (germline): Uncertain significance (1 of 4 stars; one submission).

Submission:

Labcorp Genetics (formerly Invitae), Labcorp
Classification: Uncertain significance. Last evaluated: 2024-10-16. Review status: criteria provided, single submitter. Criteria: Invitae Variant Classification Sherloc (09022015). Collection method: clinical testing. Allele origin: germline.
Comment: This sequence change replaces methionine, which is neutral and non-polar, with isoleucine, which is neutral and non-polar, at codon 1173 of the SI protein (p.Met1173Ile). This variant is not present in population databases (gnomAD no frequency). This variant has not been reported in the literature in individuals affected with SI-related conditions. ClinVar contains an entry for this variant (Variation ID: 1499774). Invitae Evidence Modeling of protein sequence and biophysical properties (such as structural, functional, and spatial information, amino acid conservation, physicochemical variation, residue mobility, and thermodynamic stability) indicates that this missense variant is expected to disrupt SI protein function with a positive predictive value of 95%. In summary, the available evidence is currently insufficient to determine the role of this variant in disease. Therefore, it has been classified as a Variant of Uncertain Significance.

NM_001041.4(SI):c.3519G>C (p.Met1173Ile)

Gene: SI (sucrase-isomaltase; minus strand). Cytogenetic location: 3q26.1.
Variant type: single nucleotide variant.
Coding change: c.3519G>C on transcript NM_001041.4 (MANE Select); coding-DNA position 3519, G replaced by C.
Protein change: p.Met1173Ile; replaces methionine 1173 with isoleucine.
Molecular consequence: missense variant.
Genome position (GRCh38, 1-based): chr3:165,017,971, C>G on the plus strand (G>C on the coding strand, the complement: SI is on the minus strand). VCF-style: chr3-165017971-C-G. GRCh37 (hg19) VCF-style: chr3-164735759-C-G.
Other names: short protein forms M1173I.
Identifiers: ClinVar variation 1499774 (VCV001499774.6), dbSNP rs1447015883, ClinGen allele CA355038509.
Genomic context (GRCh38, chr3:165,017,971, plus strand): 5'-ATACTAGTTTATGAAAAAGTCACATAAAATAAGAGACATTCAACAAATGATTGTTTTACC[C>G]ATTGCATTGCTGTTGAGTAAGAAAACACCATGAGCATTGCCCTCCTCTTCCAGAGCCATG-3'
Protein context (NP_001032.2, residues 1163-1183): HGVFLLNSNA[Met1173Ile]DVTFQPTPAL